The following is an entry in ClinVar:

ClinVar aggregate classification (germline): Likely benign (1 of 4 stars; one submission).

Submission:

Dasa
Classification: Likely benign. Last evaluated: 2026-01-16. Review status: criteria provided, single submitter. Criteria: DASA Assertion Criteria. Collection method: clinical testing. Allele origin: germline.
Comment: NM_001370116.2(ZMYND11):c.50+2T>G affects a canonical splice site and is predicted to disrupt normal RNA splicing, leading to loss of normal protein function. Loss-of-function is an established mechanism of disease for this gene. Multiple computational predictions suggest no deleterious effect on the gene or gene product. The variant is present at low frequency in population datasets. Based on the available data, this variant is classified as likely benign.

NM_001370116.2(ZMYND11):c.50+2T>G

Gene: ZMYND11 (zinc finger MYND-type containing 11; plus strand). Cytogenetic location: 10p15.3.
Variant type: single nucleotide variant.
Coding change: c.50+2T>G on transcript NM_001370116.2; the canonical splice donor site of the intron after coding-DNA position 50, T replaced by G.
Molecular consequence: splice donor variant. On other transcripts: 5 prime UTR variant (3), intron variant (6).
Genome position (GRCh38, 1-based): chr10:134,894, T>G. VCF-style: chr10-134894-T-G. GRCh37 (hg19) VCF-style: chr10-180834-T-G.
Other names: c.-329T>G (NM_001370098.2, NM_001370107.2, NM_001370113.2); c.-20+4559T>G (NM_001370103.2); c.-20+519T>G (NM_001370104.2); c.-20+108T>G (NM_006624.7, NM_001370119.2, NM_001370105.2); c.-5+108T>G (NM_001370118.2); c.-166+2T>G (NM_001330057.3); c.-20+2T>G (NM_001370097.3, NM_001370115.2, NM_001370106.2 and 4 more transcripts); c.50+2T>G (NM_001370120.2); and 1 more.
Identifiers: ClinVar variation 4851843 (VCV004851843.1).